The following is an entry in ClinVar:

ClinVar aggregate classification (germline): Uncertain significance (1 of 4 stars; one submission).

Conditions:
Kabuki syndrome. Also called: Kabuki make-up syndrome; NIIKAWA-KUROKI SYNDROME. Identifiers: Orphanet 2322, MedGen C0796004, MONDO:0016512.

Submission:

Labcorp Genetics (formerly Invitae), Labcorp
Classification: Uncertain significance for Kabuki syndrome. Last evaluated: 2024-04-25. Review status: criteria provided, single submitter. Criteria: Invitae Variant Classification Sherloc (09022015). Collection method: clinical testing. Allele origin: germline.
Comment: This sequence change falls in intron 34 of the KMT2D gene. It does not directly change the encoded amino acid sequence of the KMT2D protein. It affects a nucleotide within the consensus splice site. This variant is not present in population databases (gnomAD no frequency). This variant has not been reported in the literature in individuals affected with KMT2D-related conditions. ClinVar contains an entry for this variant (Variation ID: 1948553). Variants that disrupt the consensus splice site are a relatively common cause of aberrant splicing (PMID: 17576681, 9536098). Algorithms developed to predict the effect of sequence changes on RNA splicing suggest that this variant is not likely to affect RNA splicing. In summary, the available evidence is currently insufficient to determine the role of this variant in disease. Therefore, it has been classified as a Variant of Uncertain Significance.

Literature cited by the submitters: PubMed 17576681; PubMed 9536098.

NM_003482.4(KMT2D):c.10231+5C>T

Gene: KMT2D (lysine methyltransferase 2D; minus strand). Cytogenetic location: 12q13.12.
Variant type: single nucleotide variant.
Coding change: c.10231+5C>T on transcript NM_003482.4 (MANE Select); 5 bases into the intron after coding-DNA position 10231, C replaced by T.
Molecular consequence: intron variant.
Genome position (GRCh38, 1-based): chr12:49,037,120, G>A on the plus strand (C>T on the coding strand, the complement: KMT2D is on the minus strand). VCF-style: chr12-49037120-G-A. GRCh37 (hg19) VCF-style: chr12-49430903-G-A.
Identifiers: ClinVar variation 1948553 (VCV001948553.5), dbSNP rs2120474228, ClinGen allele CA2580086357.